The following is an entry in ClinVar:

ClinVar aggregate classification (germline): Uncertain significance (1 of 4 stars; one submission).

Submission:

Labcorp Genetics (formerly Invitae), Labcorp
Classification: Uncertain significance. Last evaluated: 2022-09-21. Review status: criteria provided, single submitter. Criteria: Invitae Variant Classification Sherloc (09022015). Collection method: clinical testing. Allele origin: germline.
Comment: This variant has not been reported in the literature in individuals affected with TNK2-related conditions. The frequency data for this variant in the population databases is considered unreliable, as metrics indicate poor data quality at this position in the gnomAD database. This sequence change creates a premature translational stop signal (p.Gly773Alafs*21) in the TNK2 gene. It is expected to result in an absent or disrupted protein product. However, the current clinical and genetic evidence is not sufficient to establish whether loss-of-function variants in TNK2 cause disease. In summary, the available evidence is currently insufficient to determine the role of this variant in disease. Therefore, it has been classified as a Variant of Uncertain Significance.

NM_001382273.1(TNK2):c.2129del (p.Gly710fs)

Gene: TNK2 (tyrosine kinase non receptor 2; minus strand). Cytogenetic location: 3q29.
Variant type: Deletion.
Coding change: c.2129del on transcript NM_001382273.1 (MANE Select); coding-DNA position 2129, one base deleted (G; older notation c.2129delG).
Protein change: p.Gly710fs; shifts the reading frame from glycine 710.
Molecular consequence: frameshift variant. On other transcripts: non-coding transcript variant (15).
Genome position (GRCh38, 1-based): chr3:195,868,169, C deleted on the plus strand (G on the coding strand, the reverse complement: TNK2 is on the minus strand); the first of 5 consecutive C bases (chr3:195,868,169-195,868,173); deleting any one gives the same sequence. VCF-style (leftmost placement, unchanged base first): chr3-195868168-GC-G. GRCh37 (hg19) VCF-style: chr3-195595039-GC-G.
Other names: c.2201del, p.Gly734fs (NM_001010938.2, NM_001382272.1); c.2180del, p.Gly727fs (NM_001308046.2, NM_001382271.1); c.2129del, p.Gly710fs (NM_001382274.1, NM_001387716.1, NM_001387717.1 and 1 more transcripts); c.2225del, p.Gly742fs (NM_001382275.1, NM_001387707.1); c.2084del, p.Gly695fs (NM_001386164.1, NM_001387709.1, NM_001387710.1 and 8 more transcripts); c.2156del, p.Gly719fs (NM_001387708.1, NM_001387715.1); short protein forms G742fs, G719fs, G734fs, G727fs, G695fs, G710fs.
Identifiers: ClinVar variation 2158982 (VCV002158982.4), dbSNP rs1476435668, ClinGen allele CA549260179.